The following is an entry in ClinVar:

NM_000030.3(AGXT):c.704C>T (p.Thr235Met)

Gene: AGXT (alanine--glyoxylate aminotransferase; plus strand). Cytogenetic location: 2q37.3.
Variant type: single nucleotide variant.
Coding change: c.704C>T on transcript NM_000030.3 (MANE Select); coding-DNA position 704, C replaced by T.
Protein change: p.Thr235Met; replaces threonine 235 with methionine.
Molecular consequence: missense variant.
Genome position (GRCh38, 1-based): chr2:240,875,132, C>T. VCF-style: chr2-240875132-C-T. GRCh37 (hg19) VCF-style: chr2-241814549-C-T.
Other names: short protein forms T235M.
Identifiers: ClinVar variation 1343421 (VCV001343421.4), dbSNP rs763751076, ClinGen allele CA2209213.

ClinVar aggregate classification (germline): Uncertain significance. Review status: criteria provided, multiple submitters, no conflicts (2 of 4 stars). 2 submissions from 2 submitters: Uncertain significance (2). Last evaluated 2022-03-03.

Allele frequency attached by ClinVar (database versions not stated): ExAC 0.00001; gnomAD exomes 0.00001 and 0.00002; gnomAD 0.00006; TOPMed 0.00007.
gnomAD v4.1: 45 of 1,613,538 alleles (0.0028%); highest among the groups gnomAD compares: African/African-American, 0.02%; no homozygotes.

Submissions (2):

Women's Health and Genetics/Laboratory Corporation of America, LabCorp
Classification: Uncertain significance. Last evaluated: 2022-03-03. Review status: criteria provided, single submitter. Criteria: LabCorp Variant Classification Summary - May 2015. Collection method: clinical testing. Allele origin: germline.
Comment: Variant summary: AGXT c.704C>T (p.Thr235Met) results in a non-conservative amino acid change located in the Aminotransferase class V domain (IPR000192) of the encoded protein sequence. Five of five in-silico tools predict a damaging effect of the variant on protein function. The variant allele was found at a frequency of 1.2e-05 in 251420 control chromosomes. The available data on variant occurrences in the general population are insufficient to allow any conclusion about variant significance. To our knowledge, no occurrence of c.704C>T in individuals affected with Primary Hyperoxaluria Type 1 and no experimental evidence demonstrating its impact on protein function have been reported. No clinical diagnostic laboratories have submitted clinical-significance assessments for this variant to ClinVar after 2014. Based on the evidence outlined above, the variant was classified as uncertain significance.

Labcorp Genetics (formerly Invitae), Labcorp
Classification: Uncertain significance. Last evaluated: 2022-02-28. Review status: criteria provided, single submitter. Criteria: Invitae Variant Classification Sherloc (09022015). Collection method: clinical testing. Allele origin: germline.
Comment: This sequence change replaces threonine, which is neutral and polar, with methionine, which is neutral and non-polar, at codon 235 of the AGXT protein (p.Thr235Met). This variant is present in population databases (rs763751076, gnomAD 0.01%). This variant has not been reported in the literature in individuals affected with AGXT-related conditions. Advanced modeling of protein sequence and biophysical properties (such as structural, functional, and spatial information, amino acid conservation, physicochemical variation, residue mobility, and thermodynamic stability) performed at Invitae indicates that this missense variant is expected to disrupt AGXT protein function. In summary, the available evidence is currently insufficient to determine the role of this variant in disease. Therefore, it has been classified as a Variant of Uncertain Significance.